The following is an entry in ClinVar:

NM_000517.6(HBA2):c.134del (p.Pro45fs)

Genes: HBA2 (hemoglobin subunit alpha 2; plus strand), LOC106804612 (hemoglobin subunit alpha 2 recombination region; plus strand). Cytogenetic location: 16p13.3.
Variant type: Deletion.
Coding change: c.134del on transcript NM_000517.6 (MANE Select); coding-DNA position 134, one base deleted (C; older notation c.134delC).
Protein change: p.Pro45fs; shifts the reading frame from proline 45.
Molecular consequence: frameshift variant.
Genome position (GRCh38, 1-based): chr16:173,163, C deleted; the last of 3 consecutive C bases (chr16:173,161-173,163); deleting any one gives the same sequence. VCF-style (leftmost placement, unchanged base first): chr16-173160-TC-T. GRCh37 (hg19) VCF-style: chr16-223159-TC-T.
Other names: short protein forms P45fs.
Identifiers: ClinVar variation 4818625 (VCV004818625.1).

ClinVar aggregate classification (germline): Pathogenic (1 of 4 stars; one submission).

Conditions:
alpha Thalassemia. Also called: Alpha thalassemia spectrum. Identifiers: Orphanet 846, MedGen C0002312, MONDO:0011399, OMIM 604131.

Submission:

Natera, Inc.
Classification: Pathogenic for Alpha thalassemia. Last evaluated: 2024-09-18. Review status: criteria provided, single submitter. Criteria: Natera Variant Classification Schema (03/2026). Collection method: clinical testing. Allele origin: germline.
Comment: The c.134del variant in HBA2 is a frameshift variant predicted to shift the reading frame beginning at codon 45 and leads to a stop codon 5 codons downstream. This variant is expected to result in nonsense mediated decay, truncation, or a dysfunctional protein product. This variant is rare in the general population with a frequency below the threshold expected for the associated phenotype(s). This variant has been observed in one or more individuals affected with the associated recessive disease, as either homozygous or compound heterozygous with a second variant (PMID: 20691621). Given the available evidence, this variant is classified as Pathogenic.

Literature cited by the submitters: PubMed 20691621.